The following is an entry in ClinVar:

ClinVar aggregate classification (germline): Uncertain significance. Review status: criteria provided, multiple submitters, no conflicts (2 of 4 stars). 2 submissions from 2 submitters: Uncertain significance (2). Last evaluated 2026-05-19.

Conditions:
Hereditary cancer-predisposing syndrome. Also called: Neoplastic Syndromes, Hereditary; Tumor predisposition; Hereditary Cancer Syndrome; Hereditary neoplastic syndrome. Identifiers: Orphanet 140162, MedGen C0027672, MeSH D009386, MONDO:0015356.
Gastrointestinal stromal tumor. Also called: Gastrointestinal stromal tumor, somatic; Gastrointestinal stroma tumor. Identifiers: Orphanet 44890, MedGen C0238198, MeSH D046152, MONDO:0011719, OMIM 606764, HP:0100723.

gnomAD v4.1: 1 of 1,613,576 alleles (0.000062%); highest among the groups gnomAD compares: African/African-American, 0.0013%; no homozygotes.

Submissions (2):

Ambry Genetics
Classification: Uncertain significance for Hereditary cancer-predisposing syndrome. Last evaluated: 2026-05-19. Review status: criteria provided, single submitter. Criteria: Ambry Variant Classification Scheme 2023. Collection method: clinical testing. Allele origin: germline.

Labcorp Genetics (formerly Invitae), Labcorp
Classification: Uncertain significance for Gastrointestinal stromal tumor. Last evaluated: 2024-09-26. Review status: criteria provided, single submitter. Criteria: Invitae Variant Classification Sherloc (09022015). Collection method: clinical testing. Allele origin: germline.
Comment: This sequence change replaces glutamine, which is neutral and polar, with proline, which is neutral and non-polar, at codon 256 of the KIT protein (p.Gln256Pro). This variant is not present in population databases (gnomAD no frequency). This variant has not been reported in the literature in individuals affected with KIT-related conditions. ClinVar contains an entry for this variant (Variation ID: 850070). An algorithm developed to predict the effect of missense changes on protein structure and function (PolyPhen-2) suggests that this variant is likely to be tolerated. In summary, the available evidence is currently insufficient to determine the role of this variant in disease. Therefore, it has been classified as a Variant of Uncertain Significance.

NM_000222.3(KIT):c.767A>C (p.Gln256Pro)

Gene: KIT (KIT proto-oncogene, receptor tyrosine kinase; plus strand). Cytogenetic location: 4q12.
Variant type: single nucleotide variant.
Coding change: c.767A>C on transcript NM_000222.3 (MANE Select); coding-DNA position 767, A replaced by C.
Protein change: p.Gln256Pro; replaces glutamine 256 with proline.
Molecular consequence: missense variant.
Genome position (GRCh38, 1-based): chr4:54,703,734, A>C. VCF-style: chr4-54703734-A-C. GRCh37 (hg19) VCF-style: chr4-55569900-A-C.
Other names: c.767A>C, p.Gln256Pro (NM_001093772.2, NM_001385285.1, NM_001385286.1); c.770A>C, p.Gln257Pro (NM_001385284.1, NM_001385288.1, NM_001385290.1 and 1 more transcripts); short protein forms Q256P, Q257P.
Identifiers: ClinVar variation 850070 (VCV000850070.9), dbSNP rs1720599914, ClinGen allele CA356899260.
Genomic context (GRCh38, chr4:54,703,734, plus strand): 5'-AAATTATATGGTAATCTTCATTTTTTTTTCTCCTTTTCTGAAACCAGCAGACTAAACTAC[A>C]GGAGAAATATAATAGCTGGCATCACGGTGACTTCAATTATGAACGTCAGGCAACGTTGAC-3'
Protein context (NP_000213.1, residues 246-266): WKRENSQTKL[Gln256Pro]EKYNSWHHGD